The following is an entry in ClinVar:

NM_005379.4(MYO1A):c.2406C>T (p.Asp802=)

Gene: MYO1A (myosin IA; minus strand). Cytogenetic location: 12q13.3.
Variant type: single nucleotide variant.
Coding change: c.2406C>T on transcript NM_005379.4 (MANE Select); coding-DNA position 2406, C replaced by T.
Protein change: p.Asp802=; no amino-acid change (aspartic acid 802 retained).
Molecular consequence: synonymous variant.
Genome position (GRCh38, 1-based): chr12:57,031,118, G>A on the plus strand (C>T on the coding strand, the complement: MYO1A is on the minus strand). VCF-style: chr12-57031118-G-A. GRCh37 (hg19) VCF-style: chr12-57424902-G-A.
Other names: c.2406C>T, p.Asp802= (NM_001256041.2).
Identifiers: ClinVar variation 226793 (VCV000226793.4), dbSNP rs150587673, ClinGen allele CA6639744.
Genomic context (GRCh38, chr12:57,031,118, plus strand): 5'-CTGCTGCAGCTCCTGATTTGCTGTGCTGAGGCACTTGTAGGGGGCGGCTGGCCATGTCTT[G>A]TCTAAGACGTTTGTGGATGGCAAATTGTTCTTCAGCCCCAGTAGGAATTTCTGTACCTAG-3'
Protein context (NP_005370.1, residues 792-812): KNNLPSTNVL[Asp802=]KTWPAAPYKC

ClinVar aggregate classification (germline): Benign (1 of 4 stars; one submission).

Allele frequency attached by ClinVar (database versions not stated): ESP Exome Variant Server 0.00146; 1000 Genomes Project 30x 0.00109; 1000 Genomes Project 0.00080; TOPMed 0.00124; gnomAD 0.00083.
gnomAD v4.1: 274 of 1,614,164 alleles (0.017%); highest among the groups gnomAD compares: African/African-American, 0.34%; no homozygotes.

Submission:

Laboratory for Molecular Medicine, Mass General Brigham Personalized Medicine
Classification: Benign. Last evaluated: 2015-02-18. Review status: criteria provided, single submitter. Criteria: LMM Criteria. Collection method: clinical testing. Allele origin: germline. Observed: 1 variant allele.
Comment: p.Asp802Asp in exon 23 of MYO1A: This variant is not expected to have clinical s ignificance because it does not alter an amino acid residue, is not located with in the splice consensus sequence, and has been identified in 0.5% (50/10406) of African chromosomes by the Exome Aggregation Consortium (ExAC; dbSNP rs150587673).